The following is an entry in ClinVar:

NM_138713.4(NFAT5):c.4168G>C (p.Val1390Leu)

Gene: NFAT5 (nuclear factor of activated T cells 5; plus strand). Cytogenetic location: 16q22.1.
Variant type: single nucleotide variant.
Coding change: c.4168G>C on transcript NM_138713.4 (MANE Select); coding-DNA position 4168, G replaced by C.
Protein change: p.Val1390Leu; replaces valine 1390 with leucine.
Molecular consequence: missense variant.
Genome position (GRCh38, 1-based): chr16:69,693,993, G>C. VCF-style: chr16-69693993-G-C. GRCh37 (hg19) VCF-style: chr16-69727896-G-C.
Other names: c.4165G>C, p.Val1389Leu (NM_001113178.3); c.3493G>C, p.Val1165Leu (NM_001367709.1); c.4114G>C, p.Val1372Leu (NM_006599.4); c.3886G>C, p.Val1296Leu (NM_138714.4, NM_173214.3, NM_173215.3); short protein forms V1165L, V1390L, V1296L, V1372L, V1389L.
Identifiers: ClinVar variation 4691778 (VCV004691778.1).

ClinVar aggregate classification (germline): Uncertain significance (1 of 4 stars; one submission).

Conditions:
Immunodeficiency. Identifiers: MedGen C0021051, MONDO:0021094, HP:0002721.

gnomAD v4.1: 4 of 1,614,200 alleles (0.00025%); highest among the groups gnomAD compares: Non-Finnish European, 0.00034%; no homozygotes.

Submission:

Labcorp Genetics (formerly Invitae), Labcorp
Classification: Uncertain significance for Immunodeficiency. Last evaluated: 2025-06-29. Review status: criteria provided, single submitter. Criteria: Invitae Variant Classification Sherloc (09022015). Collection method: clinical testing. Allele origin: germline.
Comment: This sequence change replaces valine, which is neutral and non-polar, with leucine, which is neutral and non-polar, at codon 1296 of the NFAT5 protein (p.Val1296Leu). This variant is not present in population databases (gnomAD no frequency). This variant has not been reported in the literature in individuals affected with NFAT5-related conditions. An algorithm developed to predict the effect of missense changes on protein structure and function (PolyPhen-2) suggests that this variant is likely to be tolerated. In summary, the available evidence is currently insufficient to determine the role of this variant in disease. Therefore, it has been classified as a Variant of Uncertain Significance.